The following is an entry in ClinVar:

NM_001793.6(CDH3):c.191C>T (p.Ala64Val)

Gene: CDH3 (cadherin 3; plus strand). Cytogenetic location: 16q22.1.
Variant type: single nucleotide variant.
Coding change: c.191C>T on transcript NM_001793.6 (MANE Select); coding-DNA position 191, C replaced by T.
Protein change: p.Ala64Val; replaces alanine 64 with valine.
Molecular consequence: missense variant.
Genome position (GRCh38, 1-based): chr16:68,676,415, C>T. VCF-style: chr16-68676415-C-T. GRCh37 (hg19) VCF-style: chr16-68710318-C-T.
Other names: c.191C>T, p.Ala64Val (NM_001317195.3); c.26C>T, p.Ala9Val (NM_001317196.2); short protein forms A64V, A9V.
Identifiers: ClinVar variation 1043439 (VCV001043439.7), dbSNP rs1457966198, ClinGen allele CA396448391.

ClinVar aggregate classification (germline): Uncertain significance (1 of 4 stars; one submission).

Allele frequency attached by ClinVar (database versions not stated): gnomAD 0.00001; gnomAD exomes 0.00001; TOPMed 0.00001.
gnomAD v4.1: 8 of 1,613,934 alleles (0.0005%); highest among the groups gnomAD compares: Non-Finnish European, 0.00068%; no homozygotes.

Submission:

Labcorp Genetics (formerly Invitae), Labcorp
Classification: Uncertain significance. Last evaluated: 2020-10-19. Review status: criteria provided, single submitter. Criteria: Invitae Variant Classification Sherloc (09022015). Collection method: clinical testing. Allele origin: germline.
Comment: Algorithms developed to predict the effect of missense changes on protein structure and function are either unavailable or do not agree on the potential impact of this missense change (SIFT: "Not Available"; PolyPhen-2: "Benign"; Align-GVGD: "Not Available"). This variant has not been reported in the literature in individuals with CDH3-related conditions. This variant is not present in population databases (ExAC no frequency). This sequence change replaces alanine with valine at codon 64 of the CDH3 protein (p.Ala64Val). The alanine residue is weakly conserved and there is a small physicochemical difference between alanine and valine. In summary, the available evidence is currently insufficient to determine the role of this variant in disease. Therefore, it has been classified as a Variant of Uncertain Significance.